The following is an entry in ClinVar:

ClinVar aggregate classification (germline): Benign. Review status: criteria provided, multiple submitters, no conflicts (2 of 4 stars). 2 submissions from 2 submitters: Benign (2). Last evaluated 2018-06-19.

Allele frequency attached by ClinVar (database versions not stated): gnomAD 0.68397 and 0.69186; TOPMed 0.69645; 1000 Genomes Project 0.70467; 1000 Genomes Project 30x 0.70597; gnomAD exomes 0.75350.

Submissions (2):

GeneDx
Classification: Benign. Last evaluated: 2018-06-19. Review status: criteria provided, single submitter. Criteria: GeneDx Variant Classification (06012015). Collection method: clinical testing. Allele origin: germline. Affected: yes.
Comment: This variant is considered likely benign or benign based on one or more of the following criteria: it is a conservative change, it occurs at a poorly conserved position in the protein, it is predicted to be benign by multiple in silico algorithms, and/or has population frequency not consistent with disease.

Breakthrough Genomics
Classification: Benign. Review status: criteria provided, single submitter. Criteria: ACMG Guidelines, 2015. Collection method: not provided. Allele origin: germline. Inheritance: Autosomal recessive inheritance. Affected: yes.

NM_021939.4(FKBP10):c.728-298C>T

Gene: FKBP10 (FKBP prolyl isomerase 10; plus strand). Cytogenetic location: 17q21.2.
Variant type: single nucleotide variant.
Coding change: c.728-298C>T on transcript NM_021939.4 (MANE Select); 298 bases into the intron before coding-DNA position 728, C replaced by T.
Molecular consequence: intron variant.
Genome position (GRCh38, 1-based): chr17:41,818,912, C>T. VCF-style: chr17-41818912-C-T. GRCh37 (hg19) VCF-style: chr17-39975164-C-T.
Identifiers: ClinVar variation 682703 (VCV000682703.2), dbSNP rs11079015, ClinGen allele CA15905977.
Genomic context (GRCh38, chr17:41,818,912, plus strand): 5'-AGGCTGAGGCAGGAAAATGACGTGAACCCGGGAGGCGGAGCTTGCAGTGAGCCGAGATCG[C>T]GCCACTGCACTCCAGCCTGGGTGACAGAGCGAGACTCTGTCTCAAAAAAAAAAAAAAAAA-3'